The following is an entry in ClinVar:

NM_002087.4(GRN):c.190G>A (p.Asp64Asn)

Gene: GRN (granulin precursor; plus strand). Cytogenetic location: 17q21.31.
Variant type: single nucleotide variant.
Coding change: c.190G>A on transcript NM_002087.4 (MANE Select); coding-DNA position 190, G replaced by A.
Protein change: p.Asp64Asn; replaces aspartic acid 64 with asparagine.
Molecular consequence: missense variant.
Genome position (GRCh38, 1-based): chr17:44,349,477, G>A. VCF-style: chr17-44349477-G-A. GRCh37 (hg19) VCF-style: chr17-42426845-G-A.
Other names: short protein forms D64N.
Identifiers: ClinVar variation 1909448 (VCV001909448.5), dbSNP rs1567885586, ClinGen allele CA399759759.

ClinVar aggregate classification (germline): Uncertain significance (1 of 4 stars; one submission).

Conditions:
Neuronal ceroid lipofuscinosis 11. Also called: GRN-Related Neuronal Ceroid-Lipofuscinosis. Identifiers: Orphanet 314629, Orphanet 79262, MedGen C3539123, MONDO:0013866, OMIM 614706.
GRN-related frontotemporal lobar degeneration with Tdp43 inclusions (FTD2). Also called: GRN Frontotemporal Dementia; DEMENTIA, HEREDITARY DYSPHASIC DISINHIBITION; FRONTOTEMPORAL LOBAR DEGENERATION WITH UBIQUITIN-POSITIVE INCLUSIONS; FTLD-TDP, GRN-RELATED; FRONTOTEMPORAL DEMENTIA WITH TDP43 INCLUSIONS, GRN-RELATED. Identifiers: Orphanet 100070, Orphanet 282, MedGen C1843792, MONDO:0011842, OMIM 607485. Disease mechanism: loss of function.

gnomAD v4.1: 1 of 1,614,198 alleles (0.000062%); no homozygotes.

Submission:

Labcorp Genetics (formerly Invitae), Labcorp
Classification: Uncertain significance for Neuronal ceroid lipofuscinosis 11; GRN-related frontotemporal lobar degeneration with Tdp43 inclusions. Last evaluated: 2022-02-08. Review status: criteria provided, single submitter. Criteria: Invitae Variant Classification Sherloc (09022015). Collection method: clinical testing. Allele origin: germline.
Comment: In summary, the available evidence is currently insufficient to determine the role of this variant in disease. Therefore, it has been classified as a Variant of Uncertain Significance. Algorithms developed to predict the effect of sequence changes on RNA splicing suggest that this variant may create or strengthen a splice site. Algorithms developed to predict the effect of missense changes on protein structure and function (SIFT, PolyPhen-2, Align-GVGD) all suggest that this variant is likely to be tolerated. This variant has not been reported in the literature in individuals affected with GRN-related conditions. This variant is not present in population databases (gnomAD no frequency). This sequence change replaces aspartic acid, which is acidic and polar, with asparagine, which is neutral and polar, at codon 64 of the GRN protein (p.Asp64Asn).